The following is an entry in ClinVar:

ClinVar aggregate classification (germline): Pathogenic. Review status: criteria provided, multiple submitters, no conflicts (2 of 4 stars). 3 submissions from 3 submitters: Pathogenic (2). 1 of the submissions does not count toward it. Last evaluated 2023-12-05.

Conditions:
Rare genetic deafness. Identifiers: Orphanet 96210, MedGen C5680250.
Usher syndrome type 2A. Also called: RETINAL DISEASE IN USHER SYNDROME TYPE IIA, MODIFIER OF; USHER SYNDROME, TYPE IIA. Identifiers: Orphanet 231178, Orphanet 886, MedGen C1848634, MONDO:0010169, OMIM 276901.

Submissions (3):

Labcorp Genetics (formerly Invitae), Labcorp
Classification: Pathogenic. Last evaluated: 2023-12-05. Review status: criteria provided, single submitter. Criteria: Invitae Variant Classification Sherloc (09022015). Collection method: clinical testing. Allele origin: germline.
Comment: This sequence change creates a premature translational stop signal (p.Val1147Serfs*6) in the USH2A gene. It is expected to result in an absent or disrupted protein product. Loss-of-function variants in USH2A are known to be pathogenic (PMID: 10729113, 10909849, 20507924, 25649381). This variant is not present in population databases (gnomAD no frequency). This variant has not been reported in the literature in individuals affected with USH2A-related conditions. ClinVar contains an entry for this variant (Variation ID: 48502). For these reasons, this variant has been classified as Pathogenic.

Laboratory for Molecular Medicine, Mass General Brigham Personalized Medicine
Classification: Pathogenic for Rare genetic deafness. Last evaluated: 2010-08-19. Review status: criteria provided, single submitter. Criteria: LMM Criteria. Collection method: clinical testing. Allele origin: germline. Observed: 2 variant alleles.
Comment: The Val1147fs variant in USH2A has not been reported in the literature nor previ ously identified by our laboratory. The Val1147fs variant is predicted to cause a frameshift, which alters the protein's amino acid sequence beginning at codon 1147 and leads to a premature stop codon 6 codons downstream. This alteration is then predicted to lead to a truncated or absent protein. In summary, this varia nt meets our criteria to be classified as pathogenic.

Bioscientia Institut fuer Medizinische Diagnostik GmbH, Sonic Healthcare
Classification: Pathogenic for Usher syndrome type 2A. Last evaluated: 2018-09-03. Review status: no assertion criteria provided. Collection method: clinical testing. Allele origin: germline. Affected: yes. Not counted in ClinVar's aggregate classification.

Literature cited by the submitters: PubMed 10729113 (cited by Labcorp Genetics (formerly Invitae), Labcorp); PubMed 10909849 (cited by Labcorp Genetics (formerly Invitae), Labcorp); PubMed 20507924 (cited by Labcorp Genetics (formerly Invitae), Labcorp); PubMed 25649381 (cited by Labcorp Genetics (formerly Invitae), Labcorp).

NM_206933.4(USH2A):c.3435del (p.Val1147fs)

Genes: USH2A (usherin; minus strand), USH2A-AS1 (USH2A antisense RNA 1; plus strand). Cytogenetic location: 1q41.
Variant type: Deletion.
Coding change: c.3435del on transcript NM_206933.4 (MANE Select); coding-DNA position 3435, one base deleted (A; older notation c.3435delA).
Protein change: p.Val1147fs; shifts the reading frame from valine 1147.
Molecular consequence: frameshift variant.
Genome position (GRCh38, 1-based): chr1:216,200,003, T deleted on the plus strand (A on the coding strand, the reverse complement: USH2A is on the minus strand). VCF-style (leftmost placement, unchanged base first): chr1-216200002-CT-C. GRCh37 (hg19) VCF-style: chr1-216373344-CT-C.
Other names: c.3435del, p.Val1147fs (NM_007123.6); short protein forms V1147fs.
Identifiers: ClinVar variation 48502 (VCV000048502.9), dbSNP rs397518012, ClinGen allele CA262100.
Genomic context (GRCh38, chr1:216,200,002, plus strand): 5'-TCACAGAGTCTGAGCCAATAGGAATGATATAACTTAAAGTCAAGTTTCCCTCTGGGACCC[CT>C]GGTTTTGTCTTGTAAGTGACAGCTACACTCCTTGTTGAACCATGCACATTGGTGGTCTCA-3'